The following is an entry in ClinVar:

NM_001167.4(XIAP):c.1179G>A (p.Met393Ile)

Gene: XIAP (X-linked inhibitor of apoptosis; plus strand). Cytogenetic location: Xq25.
Variant type: single nucleotide variant.
Coding change: c.1179G>A on transcript NM_001167.4 (MANE Select); coding-DNA position 1179, G replaced by A.
Protein change: p.Met393Ile; replaces methionine 393 with isoleucine.
Molecular consequence: missense variant. On other transcripts: non-coding transcript variant (2).
Genome position (GRCh38, 1-based): chrX:123,900,572, G>A. VCF-style: chrX-123900572-G-A. GRCh37 (hg19) VCF-style: chrX-123034422-G-A.
Other names: c.1179G>A, p.Met393Ile (NM_001204401.2, NM_001378590.1, NM_001378591.1 and 1 more transcripts); short protein forms M393I.
Identifiers: ClinVar variation 964162 (VCV000964162.9), dbSNP rs2053506466, ClinGen allele CA414127154.

ClinVar aggregate classification (germline): Uncertain significance (1 of 4 stars; one submission).

Conditions:
X-linked lymphoproliferative disease due to XIAP deficiency. Also called: XIAP-Related Lymphoproliferative Disease, X-Linked; XIAP DEFICIENCY. Identifiers: Orphanet 2442, Orphanet 538934, MedGen C1845076, MONDO:0010385, OMIM 300635.

Submission:

Labcorp Genetics (formerly Invitae), Labcorp
Classification: Uncertain significance for X-linked lymphoproliferative disease due to XIAP deficiency. Last evaluated: 2023-08-04. Review status: criteria provided, single submitter. Criteria: Invitae Variant Classification Sherloc (09022015). Collection method: clinical testing. Allele origin: germline.
Comment: In summary, the available evidence is currently insufficient to determine the role of this variant in disease. Therefore, it has been classified as a Variant of Uncertain Significance. Advanced modeling of protein sequence and biophysical properties (such as structural, functional, and spatial information, amino acid conservation, physicochemical variation, residue mobility, and thermodynamic stability) performed at Invitae indicates that this missense variant is not expected to disrupt XIAP protein function. ClinVar contains an entry for this variant (Variation ID: 964162). This variant has not been reported in the literature in individuals affected with XIAP-related conditions. This variant is not present in population databases (gnomAD no frequency). This sequence change replaces methionine, which is neutral and non-polar, with isoleucine, which is neutral and non-polar, at codon 393 of the XIAP protein (p.Met393Ile).